The following is an entry in ClinVar:

ClinVar aggregate classification (germline): Uncertain significance (1 of 4 stars; one submission).

Submission:

Labcorp Genetics (formerly Invitae), Labcorp
Classification: Uncertain significance. Last evaluated: 2024-06-13. Review status: criteria provided, single submitter. Criteria: Invitae Variant Classification Sherloc (09022015). Collection method: clinical testing. Allele origin: germline.
Comment: This sequence change results in a frameshift in the SIAE gene (p.Leu494Tyrfs*39). While this is not anticipated to result in nonsense mediated decay, it is expected to disrupt the last 30 amino acid(s) of the SIAE protein and extend the protein by 8 additional amino acid residues. This variant is present in population databases (rs746946002, gnomAD 0.0009%). This variant has not been reported in the literature in individuals affected with SIAE-related conditions. Experimental studies and prediction algorithms are not available or were not evaluated, and the functional significance of this variant is currently unknown. In summary, the available evidence is currently insufficient to determine the role of this variant in disease. Therefore, it has been classified as a Variant of Uncertain Significance.

NM_170601.5(SIAE):c.1480del (p.Leu494fs)

Gene: SIAE (sialic acid acetylesterase; minus strand). Cytogenetic location: 11q24.2.
Variant type: Deletion.
Coding change: c.1480del on transcript NM_170601.5 (MANE Select); coding-DNA position 1480, one base deleted (C; older notation c.1480delC).
Protein change: p.Leu494fs; shifts the reading frame from leucine 494.
Molecular consequence: frameshift variant.
Genome position (GRCh38, 1-based): chr11:124,637,043, G deleted on the plus strand (C on the coding strand, the reverse complement: SIAE is on the minus strand); the first of 4 consecutive G bases (chr11:124,637,043-124,637,046); deleting any one gives the same sequence. VCF-style (leftmost placement, unchanged base first): chr11-124637042-AG-A. GRCh37 (hg19) VCF-style: chr11-124506938-AG-A.
Other names: c.1375del, p.Leu459fs (NM_001199922.2); short protein forms L459fs, L494fs.
Identifiers: ClinVar variation 3615308 (VCV003615308.2).